The following is an entry in ClinVar:

ClinVar aggregate classification (germline): Uncertain significance. Review status: criteria provided, multiple submitters, no conflicts (2 of 4 stars). 2 submissions from 2 submitters: Uncertain significance (2). Last evaluated 2026-09-01.

Conditions:
LOXL3-related disorder. Also called: LOXL3-related condition.

Allele frequency attached by ClinVar (database versions not stated): gnomAD 0.00009; 1000 Genomes Project 0.00040; TOPMed 0.00008; 1000 Genomes Project 30x 0.00031; ExAC 0.00005.
gnomAD v4.1: 151 of 1,614,028 alleles (0.0094%); highest among the groups gnomAD compares: African/African-American, 0.012%; no homozygotes.

Submissions (2):

PreventionGenetics, part of Exact Sciences
Classification: Uncertain significance for LOXL3-related condition. Last evaluated: 2026-09-01. Review status: criteria provided, single submitter. Criteria: ACMG Guidelines, 2015. Collection method: clinical testing. Allele origin: germline.
Comment: The LOXL3 c.443G>A variant is predicted to result in the amino acid substitution p.Arg148His. To our knowledge, this variant has not been reported in the literature. This variant is reported in 0.016% of alleles in individuals of African descent in gnomAD. At this time, the clinical significance of this variant is uncertain due to the absence of conclusive functional and genetic evidence.

Labcorp Genetics (formerly Invitae), Labcorp
Classification: Uncertain significance. Last evaluated: 2026-01-17. Review status: criteria provided, single submitter. Criteria: Invitae Variant Classification Sherloc (09022015). Collection method: clinical testing. Allele origin: germline.
Comment: This sequence change replaces arginine, which is basic and polar, with histidine, which is basic and polar, at codon 148 of the LOXL3 protein (p.Arg148His). This variant is present in population databases (rs575389607, gnomAD 0.02%). This variant has not been reported in the literature in individuals affected with LOXL3-related conditions. ClinVar contains an entry for this variant (Variation ID: 2164843). An algorithm developed to predict the effect of missense changes on protein structure and function (PolyPhen-2) suggests that this variant is likely to be disruptive. In summary, the available evidence is currently insufficient to determine the role of this variant in disease. Therefore, it has been classified as a Variant of Uncertain Significance.

NM_032603.5(LOXL3):c.443G>A (p.Arg148His)

Genes: DOK1 (docking protein 1; plus strand), LOXL3 (lysyl oxidase like 3; minus strand). Cytogenetic location: 2p13.1.
Variant type: single nucleotide variant.
Coding change: c.443G>A on transcript NM_032603.5 (MANE Select); coding-DNA position 443, G replaced by A.
Protein change: p.Arg148His; replaces arginine 148 with histidine.
Molecular consequence: missense variant. On other transcripts: intron variant (1).
Genome position (GRCh38, 1-based): chr2:74,550,219, C>T on the plus strand (G>A on the coding strand, the complement: LOXL3 is on the minus strand). VCF-style: chr2-74550219-C-T. GRCh37 (hg19) VCF-style: chr2-74777346-C-T.
Other names: c.443G>A, p.Arg148His (NM_001289164.3); c.-358+1047C>T (NM_001197260.2); short protein forms R148H.
Identifiers: ClinVar variation 2164843 (VCV002164843.3), dbSNP rs575389607, ClinGen allele CA1729185.